The following is an entry in ClinVar:

ClinVar aggregate classification (germline): Uncertain significance (1 of 4 stars; one submission).

Submission:

GeneDx
Classification: Uncertain significance. Last evaluated: 2025-07-11. Review status: criteria provided, single submitter. Criteria: GeneDx Variant Classification Process June 2021. Collection method: clinical testing. Allele origin: germline. Affected: yes.
Comment: Not observed at significant frequency in large population cohorts (gnomAD); In silico analysis suggests that this variant does not alter splicing; Has not been previously published as pathogenic or benign to our knowledge

NM_033380.3(COL4A5):c.3554-31TTTTG[5]

Gene: COL4A5 (collagen type IV alpha 5 chain; plus strand). Cytogenetic location: Xq22.3.
Variant type: Microsatellite.
Coding change: c.3554-31TTTTG[5] on transcript NM_033380.3 (MANE Select); five copies in a row of the 5-base unit TTTTG starting at c.3554-31.
Molecular consequence: intron variant.
Genome position: GRCh38 VCF-style: chrX-108667101-T-TTTTTG. GRCh37 (hg19) VCF-style: chrX-107910331-T-TTTTTG.
Other names: c.3554-31TTTTG[5] (NM_000495.5).
Identifiers: ClinVar variation 4685294 (VCV004685294.1).